The following is an entry in ClinVar:

NM_001394998.1(TANC2):c.1804A>G (p.Lys602Glu)

Gene: TANC2 (tetratricopeptide repeat, ankyrin repeat and coiled-coil containing 2; plus strand). Cytogenetic location: 17q23.3.
Variant type: single nucleotide variant.
Coding change: c.1804A>G on transcript NM_001394998.1 (MANE Select); coding-DNA position 1804, A replaced by G.
Protein change: p.Lys602Glu; replaces lysine 602 with glutamic acid.
Molecular consequence: missense variant.
Genome position (GRCh38, 1-based): chr17:63,340,329, A>G. VCF-style: chr17-63340329-A-G. GRCh37 (hg19) VCF-style: chr17-61417690-A-G.
Other names: c.1582A>G, p.Lys528Glu (NM_001411076.1, NM_025185.4); short protein forms K602E, K528E.
Identifiers: ClinVar variation 2278994 (VCV002278994.2), dbSNP rs2510024450, ClinGen allele CA400519956.
Genomic context (GRCh38, chr17:63,340,329, plus strand): 5'-GTTCAAGACCCCATGGCCTCCTTCCGGAGGGGAGTTCTGGAGCCACTAGAAAATCTCCAT[A>G]AAGGTACAGATAAGGCCCAAAGGAGGGGAAAGATGGAGGTTTAGAGCCCAAGTTCACCCG-3'
Protein context (NP_001381927.1, residues 592-612): GVLEPLENLH[Lys602Glu]ERKIPDEDFI

ClinVar aggregate classification (germline): Uncertain significance (1 of 4 stars; one submission).

Conditions:
Inborn genetic diseases. Identifiers: MedGen C0950123, MeSH D030342.

Allele frequency attached by ClinVar (database versions not stated): gnomAD exomes 0.00001.
gnomAD v4.1: 5 of 1,613,674 alleles (0.00031%); highest among the groups gnomAD compares: Non-Finnish European, 0.00042%; no homozygotes.

Submission:

Ambry Genetics
Classification: Uncertain significance for Inborn genetic diseases. Last evaluated: 2022-04-08. Review status: criteria provided, single submitter. Criteria: Ambry Variant Classification Scheme 2023. Collection method: clinical testing. Allele origin: germline.
Comment: The c.1582A>G (p.K528E) alteration is located in exon 10 (coding exon 10) of the TANC2 gene. This alteration results from a A to G substitution at nucleotide position 1582, causing the lysine (K) at amino acid position 528 to be replaced by a glutamic acid (E). This variant was not reported in population-based cohorts in the Genome Aggregation Database (gnomAD). This amino acid position is conserved in most available vertebrate species. This alteration is predicted to be tolerated by in silico analysis. Based on insufficient or conflicting evidence, the clinical significance of this alteration remains unclear.